The following is an entry in ClinVar:

NM_000494.4(COL17A1):c.2435-6_2440del

Gene: COL17A1 (collagen type XVII alpha 1 chain; minus strand). Cytogenetic location: 10q25.1.
Variant type: Deletion.
Coding change: c.2435-6_2440del on transcript NM_000494.4 (MANE Select); 6 bases into the intron before coding-DNA position 2435 through coding-DNA position 2440, 12 bases deleted (TTTCAGAGGGGT).
Molecular consequence: splice acceptor variant.
Genome position (GRCh38, 1-based): chr10:104,043,576-104,043,587, ACCCCTCTGAAA deleted on the plus strand (TTTCAGAGGGGT on the coding strand, the reverse complement: COL17A1 is on the minus strand); deleting any 12 consecutive bases within chr10:104,043,576-104,043,589 gives the same sequence; the c. name uses the placement nearest the transcript's 3' end. VCF-style (leftmost placement, unchanged base first): chr10-104043575-GACCCCTCTGAAA-G. GRCh37 (hg19) VCF-style: chr10-105803333-GACCCCTCTGAAA-G.
Other names: c.2435-6_2440del (LRG_1249t1).
Identifiers: ClinVar variation 208569 (VCV000208569.7), dbSNP rs797045084, ClinGen allele CA275989.

ClinVar aggregate classification (germline): Likely pathogenic. Review status: criteria provided, multiple submitters, no conflicts (2 of 4 stars). 2 submissions from 2 submitters: Likely pathogenic (2). Last evaluated 2023-10-04.

Conditions:
Junctional epidermolysis bullosa, non-Herlitz type. Also called: EPIDERMOLYSIS BULLOSA JUNCTIONALIS, DISENTIS TYPE; EPIDERMOLYSIS BULLOSA JUNCTIONALIS, NON-HERLITZ TYPE; EPIDERMOLYSIS BULLOSA JUNCTIONALIS, PROGRESSIVE; EPIDERMOLYSIS BULLOSA JUNCTIONALIS, SEVERE NONLETHAL; Epidermolysis bullosa, junctional, non-herlitz type, somatic mosaic revertant; Adult junctional epidermolysis bullosa. Identifiers: Orphanet 251393, Orphanet 79402, Orphanet 79405, Orphanet 89840, MedGen C0268374, MONDO:0009180, OMIM 226650.

Submissions (2):

Labcorp Genetics (formerly Invitae), Labcorp
Classification: Likely pathogenic. Last evaluated: 2023-10-04. Review status: criteria provided, single submitter. Criteria: Invitae Variant Classification Sherloc (09022015). Collection method: clinical testing. Allele origin: germline.
Comment: This variant results in the deletion of part of exon 35 (c.2435-6_2440del) of the COL17A1 gene. It is expected to disrupt RNA splicing. Variants that disrupt the donor or acceptor splice site typically lead to a loss of protein function (PMID: 16199547), and loss-of-function variants in COL17A1 are known to be pathogenic (PMID: 16473856, 17344927, 20301304, 21357940, 24319098). This variant is not present in population databases (gnomAD no frequency). This variant has not been reported in the literature in individuals affected with COL17A1-related conditions. ClinVar contains an entry for this variant (Variation ID: 208569). In summary, the currently available evidence indicates that the variant is pathogenic, but additional data are needed to prove that conclusively. Therefore, this variant has been classified as Likely Pathogenic.

Laboratory for Molecular Medicine, Mass General Brigham Personalized Medicine
Classification: Likely pathogenic for Adult junctional epidermolysis bullosa. Last evaluated: 2014-12-18. Review status: criteria provided, single submitter. Criteria: LMM Criteria. Collection method: clinical testing. Allele origin: germline. Inheritance: Autosomal recessive inheritance. Observed: 1 variant allele. Study: CSER-MedSeq.
Comment: The c.2435-6_2440del variant in COL17A1 has not been previously reported in individuals/any other families with disease. Data from large population studies is insufficient to assess the frequency of this variant. This variant deletes the invariant region (+/- 1,2) of the splice consensus sequence and is predicted to cause altered splicing leading to an abnormal or absent protein. Homozygous or compound heterozygous loss of function variants in COL17A1 have been shown to cause junctional epidermolysis bullosa. In summary, although additional studies are required to fully establish its clinical significance, the c.2435-6_2440del variant is likely pathogenic.

Literature cited by the submitters: PubMed 16199547 (cited by Labcorp Genetics (formerly Invitae), Labcorp); PubMed 16473856 (cited by Labcorp Genetics (formerly Invitae), Labcorp); PubMed 17344927 (cited by Labcorp Genetics (formerly Invitae), Labcorp); PubMed 20301304 (cited by Labcorp Genetics (formerly Invitae), Labcorp); PubMed 21357940 (cited by Labcorp Genetics (formerly Invitae), Labcorp); PubMed 24319098 (cited by Labcorp Genetics (formerly Invitae), Labcorp).